The following is an entry in ClinVar:

ClinVar aggregate classification (germline): Uncertain significance (1 of 4 stars; one submission).

Conditions:
Fanconi anemia (FA). Also called: Fanconi's anemia. Identifiers: Orphanet 84, MedGen C0015625, MeSH D005199, MONDO:0019391.

Submission:

Labcorp Genetics (formerly Invitae), Labcorp
Classification: Uncertain significance for Fanconi anemia. Last evaluated: 2025-03-25. Review status: criteria provided, single submitter. Criteria: Invitae Variant Classification Sherloc (09022015). Collection method: clinical testing. Allele origin: germline.
Comment: This sequence change replaces serine, which is neutral and polar, with phenylalanine, which is neutral and non-polar, at codon 312 of the FANCA protein (p.Ser312Phe). This variant is not present in population databases (gnomAD no frequency). This variant has not been reported in the literature in individuals affected with FANCA-related conditions. Invitae Evidence Modeling of protein sequence and biophysical properties (such as structural, functional, and spatial information, amino acid conservation, physicochemical variation, residue mobility, and thermodynamic stability) indicates that this missense variant is not expected to disrupt FANCA protein function with a negative predictive value of 95%. In summary, the available evidence is currently insufficient to determine the role of this variant in disease. Therefore, it has been classified as a Variant of Uncertain Significance.

NM_000135.4(FANCA):c.935C>T (p.Ser312Phe)

Gene: FANCA (FA complementation group A; minus strand). Cytogenetic location: 16q24.3.
Variant type: single nucleotide variant.
Coding change: c.935C>T on transcript NM_000135.4 (MANE Select); coding-DNA position 935, C replaced by T.
Protein change: p.Ser312Phe; replaces serine 312 with phenylalanine.
Molecular consequence: missense variant.
Genome position (GRCh38, 1-based): chr16:89,795,977, G>A on the plus strand (C>T on the coding strand, the complement: FANCA is on the minus strand). VCF-style: chr16-89795977-G-A. GRCh37 (hg19) VCF-style: chr16-89862385-G-A.
Other names: c.935C>T, p.Ser312Phe (NM_001286167.3); short protein forms S312F.
Identifiers: ClinVar variation 4709801 (VCV004709801.1).